The following is an entry in ClinVar:

ClinVar aggregate classification (germline): Conflicting classifications of pathogenicity. Review status: criteria provided, conflicting classifications (1 of 4 stars). 7 submissions from 7 submitters: Uncertain significance (5); Likely benign (1). 1 of the submissions does not count toward it. Last evaluated 2026-10-01.

Conditions:
Hereditary cancer-predisposing syndrome. Also called: Neoplastic Syndromes, Hereditary; Tumor predisposition; Hereditary Cancer Syndrome; Hereditary neoplastic syndrome. Identifiers: Orphanet 140162, MedGen C0027672, MeSH D009386, MONDO:0015356.
Breast and/or ovarian cancer. Identifiers: MedGen CN221562.
Hereditary breast ovarian cancer syndrome. Also called: Hereditary breast and/or ovarian cancer syndrome; Hereditary breast and ovarian cancer syndrome; Hereditary breast and ovarian cancer; Hereditary breast and ovarian cancer syndrome (HBOC); Breast and ovarian cancer; BRCA1- and BRCA2-Associated Hereditary Breast and Ovarian Cancer. Identifiers: Orphanet 145, MedGen C0677776, MeSH D061325, MONDO:0003582. Disease mechanism: loss of function.
Breast-ovarian cancer, familial, susceptibility to, 2 (BROVCA2). Also called: BRCA2 Hereditary Breast and Ovarian Cancer. Identifiers: Orphanet 145, MedGen C2675520, MONDO:0012933, OMIM 612555. Disease mechanism: loss of function.

Allele frequency attached by ClinVar (database versions not stated): gnomAD exomes below 0.00001.
gnomAD v4.1: 2 of 1,614,218 alleles (0.00012%); highest among the groups gnomAD compares: African/African-American, 0.0013%; no homozygotes.

Submissions (7):

St. Jude Molecular Pathology, St. Jude Children's Research Hospital
Classification: Uncertain significance for Breast-ovarian cancer, familial, susceptibility to, 2. Last evaluated: 2026-10-01. Review status: criteria provided, single submitter. Criteria: St. Jude Assertion Criteria 2020. Collection method: clinical testing. Allele origin: germline.
Comment: The BRCA2 c.9936A>G p.(Ile3312Met) missense change is absent in gnomAD v2.1.1. The in silico tool REVEL predicts a benign effect on protein function, but to our knowledge this prediction has not been confirmed by funct ional studies. To our knowledge, this variant has not been reported in individuals with BRCA2-related disease. In summary, the evidence currently available is insufficient to determine the clinical significance of this variant. It has therefore been clas sified as of uncertain significance.

Labcorp Genetics (formerly Invitae), Labcorp
Classification: Uncertain significance for Hereditary breast ovarian cancer syndrome. Last evaluated: 2025-10-26. Review status: criteria provided, single submitter. Criteria: Invitae Variant Classification Sherloc (09022015). Collection method: clinical testing. Allele origin: germline.
Comment: This sequence change replaces isoleucine, which is neutral and non-polar, with methionine, which is neutral and non-polar, at codon 3312 of the BRCA2 protein (p.Ile3312Met). This variant is not present in population databases (gnomAD no frequency). This variant has not been reported in the literature in individuals affected with BRCA2-related conditions. ClinVar contains an entry for this variant (Variation ID: 52921). Invitae Evidence Modeling of protein sequence and biophysical properties (such as structural, functional, and spatial information, amino acid conservation, physicochemical variation, residue mobility, and thermodynamic stability) indicates that this missense variant is not expected to disrupt BRCA2 protein function with a negative predictive value of 95%. In summary, the available evidence is currently insufficient to determine the role of this variant in disease. Therefore, it has been classified as a Variant of Uncertain Significance.

Ambry Genetics
Classification: Likely benign for Hereditary cancer-predisposing syndrome. Last evaluated: 2024-02-22. Review status: criteria provided, single submitter. Criteria: Ambry Variant Classification Scheme 2023. Collection method: clinical testing. Allele origin: germline.

CHEO Genetics Diagnostic Laboratory, Children's Hospital of Eastern Ontario
Classification: Uncertain significance for Breast and/or ovarian cancer. Last evaluated: 2022-04-29. Review status: criteria provided, single submitter. Criteria: ACMG Guidelines, 2015. Collection method: clinical testing. Allele origin: germline.

Color Diagnostics, LLC DBA Color Health
Classification: Uncertain significance for Hereditary cancer-predisposing syndrome. Last evaluated: 2019-05-05. Review status: criteria provided, single submitter. Criteria: ACMG Guidelines, 2015. Collection method: clinical testing. Allele origin: germline.

Women's Health and Genetics/Laboratory Corporation of America, LabCorp
Classification: Uncertain significance. Last evaluated: 2018-10-22. Review status: criteria provided, single submitter. Criteria: LabCorp Variant Classification Summary - May 2015. Collection method: clinical testing. Allele origin: germline.
Comment: Variant summary: BRCA2 c.9936A>G (p.Ile3312Met) results in a conservative amino acid change in the encoded protein sequence. Five of five in-silico tools predict a benign effect of the variant on protein function. The variant was absent in 246014 control chromosomes. The available data on variant occurrences in the general population are insufficient to allow any conclusion about variant significance. c.9936A>G has been reported in the literature, however, these reports do not provide unequivocal conclusions about association of the variant with Hereditary Breast and Ovarian Cancer. To our knowledge, no experimental evidence demonstrating an impact on protein function has been reported. One clinical diagnostic laboratory has submitted clinical-significance assessments for this variant to ClinVar after 2014 without evidence for independent evaluation and classified the variant as uncertain significance. Based on the evidence outlined above, the variant was classified as uncertain significance.

Breast Cancer Information Core (BIC) (BRCA2)
Classification: Uncertain significance for Breast-ovarian cancer, familial 2. Last evaluated: 2001-03-30. Review status: no assertion criteria provided. Collection method: clinical testing. Allele origin: germline. Affected: yes. Observed: 1 variant allele. Not counted in ClinVar's aggregate classification.

Literature cited by the submitters: PubMed 16011303 (cited by Ambry Genetics and Women's Health and Genetics/Laboratory Corporation of America, LabCorp); PubMed 28713573 (cited by Women's Health and Genetics/Laboratory Corporation of America, LabCorp).

NM_000059.4(BRCA2):c.9936A>G (p.Ile3312Met)

Gene: BRCA2 (BRCA2 DNA repair associated; plus strand). Cytogenetic location: 13q13.1.
Variant type: single nucleotide variant.
Coding change: c.9936A>G on transcript NM_000059.4 (MANE Select); coding-DNA position 9936, A replaced by G.
Protein change: p.Ile3312Met; replaces isoleucine 3312 with methionine.
Molecular consequence: missense variant.
Genome position (GRCh38, 1-based): chr13:32,398,449, A>G. VCF-style: chr13-32398449-A-G. GRCh37 (hg19) VCF-style: chr13-32972586-A-G.
Other names: short protein forms I3312M.
Identifiers: ClinVar variation 52921 (VCV000052921.19), dbSNP rs80359255, ClinGen allele CA026338.
Genomic context (GRCh38, chr13:32,398,449, plus strand): 5'-GGCTGCACAGAAGGCATTTCAGCCACCAAGGAGTTGTGGCACCAAATACGAAACACCCAT[A>G]AAGAAAAAAGAACTGAATTCTCCTCAGATGACTCCATTTAAAAAATTCAATGAAATTTCT-3'
Protein context (NP_000050.3, residues 3302-3322): RSCGTKYETP[Ile3312Met]KKKELNSPQM